The following is an entry in ClinVar:

ClinVar aggregate classification (germline): Conflicting classifications of pathogenicity. Review status: criteria provided, conflicting classifications (1 of 4 stars). 10 submissions from 10 submitters: Uncertain significance (1); Benign (4); Likely benign (2). 3 of the submissions do not count toward it. Last evaluated 2026-08-01.

Conditions:
Dehydrated hereditary stomatocytosis with or without pseudohyperkalemia and/or perinatal edema (DHS1). Also called: Dehydrated hereditary stomatocytosis 1 with or without pseudohyperkalemia and/or perinatal edema; PSEUDOHYPERKALEMIA EDINBURGH; DEHYDRATED HEREDITARY STOMATOCYTOSIS AND PSEUDOHYPERKALEMIA; DEHYDRATED HEREDITARY STOMATOCYTOSIS WITH PSEUDOHYPERKALEMIA AND PERINATAL EDEMA; Pseudohyperkalemia, familial, 1, due to red cell leak. Identifiers: Orphanet 3202, MedGen C4551512, MONDO:0008689, OMIM 194380.

Submissions (10):

CeGaT Center for Human Genetics Tuebingen
Classification: Benign. Last evaluated: 2026-08-01. Review status: criteria provided, single submitter. Criteria: CeGaT Center For Human Genetics Tuebingen Variant Classification Criteria Version 2. Collection method: clinical testing. Allele origin: germline. Affected: yes. Observed: 15 variant alleles.
Comment: PIEZO1: BS1, BS2

Labcorp Genetics (formerly Invitae), Labcorp
Classification: Uncertain significance. Last evaluated: 2026-02-03. Review status: criteria provided, single submitter. Criteria: Invitae Variant Classification Sherloc (09022015). Collection method: clinical testing. Allele origin: germline.
Comment: This variant, c.2268_2270dup, results in the insertion of 1 amino acid(s) of the PIEZO1 protein (p.Glu756dup), but otherwise preserves the integrity of the reading frame. The frequency data for this variant in the population databases is considered unreliable, as metrics indicate poor data quality at this position in the gnomAD database. This variant has not been reported in the literature in individuals affected with PIEZO1-related conditions. ClinVar contains an entry for this variant (Variation ID: 1206134). Experimental studies and prediction algorithms are not available or were not evaluated, and the functional significance of this variant is currently unknown. In summary, the available evidence is currently insufficient to determine the role of this variant in disease. Therefore, it has been classified as a Variant of Uncertain Significance.

ARUP Laboratories, Molecular Genetics and Genomics, ARUP Laboratories
Classification: Likely benign. Last evaluated: 2025-06-06. Review status: criteria provided, single submitter. Criteria: ARUP Molecular Germline Variant Investigation Process 2024. Collection method: clinical testing. Allele origin: germline.

Center for Genomic Medicine, Rigshospitalet, Copenhagen University Hospital
Classification: Likely benign. Last evaluated: 2025-03-04. Review status: criteria provided, single submitter. Criteria: ACMG Guidelines, 2015. Collection method: clinical testing. Allele origin: germline.

Blueprint Genetics
Classification: Benign. Last evaluated: 2024-11-25. Review status: criteria provided, single submitter. Criteria: ACMG Guidelines, 2015. Collection method: clinical testing. Allele origin: germline.

Johns Hopkins Genomics, Johns Hopkins University
Classification: Benign for Dehydrated hereditary stomatocytosis with or without pseudohyperkalemia and/or perinatal edema. Last evaluated: 2024-05-31. Review status: criteria provided, single submitter. Criteria: ACMG Guidelines, 2015. Collection method: clinical testing. Allele origin: germline.
Comment: BS1, BS2

Mayo Clinic Laboratories, Mayo Clinic
Classification: Benign. Last evaluated: 2023-05-01. Review status: criteria provided, single submitter. Criteria: ACMG Guidelines, 2015. Collection method: clinical testing. Allele origin: germline. Observed: 38 variant alleles.
Comment: the same text as in the submission from Johns Hopkins Genomics, Johns Hopkins University above.

Clinical Genetics DNA and cytogenetics Diagnostics Lab, Erasmus MC, Erasmus Medical Center
Classification: Benign. Review status: no assertion criteria provided. Collection method: clinical testing. Allele origin: germline. Affected: yes. Study: VKGL Data-share Consensus. Not counted in ClinVar's aggregate classification.

Clinical Genetics, Academic Medical Center
Classification: Benign. Review status: no assertion criteria provided. Collection method: clinical testing. Allele origin: germline. Affected: yes. Study: VKGL Data-share Consensus. Not counted in ClinVar's aggregate classification.

Laboratory of Diagnostic Genome Analysis, Leiden University Medical Center (LUMC)
Classification: Likely benign. Review status: no assertion criteria provided. Collection method: clinical testing. Allele origin: germline. Affected: yes. Study: VKGL Data-share Consensus. Not counted in ClinVar's aggregate classification.

NM_001142864.4(PIEZO1):c.2247GGA[9] (p.Glu756dup)

Genes: HSALR1 (HSP90AB1 associated lncRNA 1; plus strand), PIEZO1 (piezo type mechanosensitive ion channel component 1 (Er blood group); minus strand). Cytogenetic location: 16q24.3.
Variant type: Microsatellite.
Coding change: c.2247GGA[9] on transcript NM_001142864.4 (MANE Select); nine copies in a row of the 3-base unit GGA starting at c.2247; the reference has eight copies in a row; one copy, 3 bases duplicated; also written c.2268_2270dup.
Protein change: p.Glu756dup; duplicates glutamic acid 756.
Molecular consequence: inframe insertion.
Genome position (GRCh38, 1-based): chr16:88,733,965-88,733,967, TCC duplicated on the plus strand (GGA on the coding strand, the reverse complement: PIEZO1 is on the minus strand); duplicating any 3 consecutive bases within chr16:88,733,965-88,733,989 gives the same sequence; the position shown is the placement nearest the transcript's 3' end. VCF-style (leftmost placement, unchanged base first): chr16-88733964-G-GTCC. GRCh37 (hg19) VCF-style: chr16-88800372-G-GTCC.
Other names: p.Glu756dup; c.2268_2270dupGGA (NM_001142864.4); c.2268_2270dup (NM_001142864.4).
Identifiers: ClinVar variation 1206134 (VCV001206134.49), dbSNP rs59446030, ClinGen allele CA8232820.